The following is an entry in ClinVar:

ClinVar aggregate classification (germline): Pathogenic/Likely pathogenic. Review status: criteria provided, multiple submitters, no conflicts (2 of 4 stars). 2 submissions from 2 submitters: Pathogenic (1); Likely pathogenic (1). Last evaluated 2024-04-15.

Conditions:
Usher syndrome type 1C. Also called: USHER SYNDROME, TYPE I, ACADIAN VARIETY. Identifiers: Orphanet 231169, Orphanet 886, MedGen C1848604, MONDO:0010171, OMIM 276904.
Autosomal recessive nonsyndromic hearing loss 18A. Also called: Deafness, autosomal recessive 18A; DEAFNESS, AUTOSOMAL RECESSIVE 18. Identifiers: Orphanet 90636, MedGen C1865870, MONDO:0011192, OMIM 602092.

Submissions (2):

Fulgent Genetics
Classification: Likely pathogenic for Usher syndrome type 1C; Autosomal recessive nonsyndromic hearing loss 18A. Last evaluated: 2024-04-15. Review status: criteria provided, single submitter. Criteria: ACMG Guidelines, 2015. Collection method: clinical testing. Allele origin: germline.

Myriad Genetics, Inc.
Classification: Pathogenic for Usher syndrome type 1C. Last evaluated: 2024-03-26. Review status: criteria provided, single submitter. Criteria: Myriad Autosomal Dominant, Autosomal Recessive and X-Linked Classification Criteria (2023). Collection method: clinical testing. Allele origin: unknown.
Comment: NM_005709.3(USH1C):c.1144G>T(E382*) is expected to be pathogenic in the context of USH1C-related disorders. This variant is predicted to lead to an abnormal or absent protein product due to the creation of a premature termination codon in USH1C, a gene where loss-of-function variants are known to be pathogenic. Please note: this variant was assessed in the context of healthy population screening.

NM_153676.4(USH1C):c.1144G>T (p.Glu382Ter)

Gene: USH1C (USH1 protein network component harmonin; minus strand). Cytogenetic location: 11p15.1.
Variant type: single nucleotide variant.
Coding change: c.1144G>T on transcript NM_153676.4 (MANE Select); coding-DNA position 1144, G replaced by T.
Protein change: p.Glu382Ter; replaces glutamic acid 382 with a stop codon.
Molecular consequence: nonsense. On other transcripts: non-coding transcript variant (1).
Genome position (GRCh38, 1-based): chr11:17,520,936, C>A on the plus strand (G>T on the coding strand, the complement: USH1C is on the minus strand). VCF-style: chr11-17520936-C-A. GRCh37 (hg19) VCF-style: chr11-17542483-C-A.
Other names: c.1087G>T, p.Glu363Ter (NM_001297764.2); c.1144G>T, p.Glu382Ter (NM_005709.4); short protein forms E363*, E382*.
Identifiers: ClinVar variation 3599439 (VCV003599439.2).